The following is an entry in ClinVar:

ClinVar aggregate classification (germline): Likely pathogenic (1 of 4 stars; one submission).

Conditions:
Hereditary spastic paraplegia 15 (SPG15). Also called: SPASTIC PARAPLEGIA 15, AUTOSOMAL RECESSIVE; KJELLIN SYNDROME; SPASTIC PARAPLEGIA AND RETINAL DEGENERATION. Identifiers: Orphanet 100996, MedGen C1849128, MONDO:0010044, OMIM 270700.

Submission:

Myriad Genetics, Inc.
Classification: Likely pathogenic for Hereditary spastic paraplegia 15. Last evaluated: 2021-12-17. Review status: criteria provided, single submitter. Criteria: Myriad Women's Health Autosomal Recessive and X-Linked Classification Criteria (2021). Collection method: clinical testing. Allele origin: unknown.
Comment: NM_015346.3(ZFYVE26):c.2619C>A(Y873*) is expected to be pathogenic in the context of spastic paraplegia type 15. This variant is predicted to lead to an abnormal or absent protein product due to the creation of a premature termination codon in ZFYVE26, a gene where loss-of-function variants are known to be pathogenic. Please note: this variant was assessed in the context of healthy population screening.

NM_015346.4(ZFYVE26):c.2619C>A (p.Tyr873Ter)

Gene: ZFYVE26 (zinc finger FYVE-type containing 26; minus strand). Cytogenetic location: 14q24.1.
Variant type: single nucleotide variant.
Coding change: c.2619C>A on transcript NM_015346.4 (MANE Select); coding-DNA position 2619, C replaced by A.
Protein change: p.Tyr873Ter; replaces tyrosine 873 with a stop codon.
Molecular consequence: nonsense.
Genome position (GRCh38, 1-based): chr14:67,790,708, G>T on the plus strand (C>A on the coding strand, the complement: ZFYVE26 is on the minus strand). VCF-style: chr14-67790708-G-T. GRCh37 (hg19) VCF-style: chr14-68257425-G-T.
Other names: short protein forms Y873*.
Identifiers: ClinVar variation 1726404 (VCV001726404.2), dbSNP rs2502832749, ClinGen allele CA390174045.